The following is an entry in ClinVar:

ClinVar aggregate classification (germline): Pathogenic (1 of 4 stars; one submission).

Conditions:
Nemaline myopathy 2 (NEM2). Also called: Nemaline myopathy 2, autosomal recessive. Identifiers: MedGen C1850569, MONDO:0009725, OMIM 256030.

Submission:

Myriad Genetics, Inc.
Classification: Pathogenic for Nemaline myopathy 2. Last evaluated: 2023-09-27. Review status: criteria provided, single submitter. Criteria: Myriad Autosomal Dominant, Autosomal Recessive and X-Linked Classification Criteria (2023). Collection method: clinical testing. Allele origin: unknown.
Comment: NM_001271208.1(NEB):c.5503dupC(R1835Pfs*6) is expected to be pathogenic in the context of NEB-related nemaline myopathy. This variant is predicted to lead to an abnormal or absent protein product due to the creation of a premature termination codon in NEB, a gene where loss-of-function variants are known to be pathogenic. Please note: this variant was assessed in the context of healthy population screening.

NM_001164508.2(NEB):c.5503dup (p.Arg1835fs)

Gene: NEB (nebulin; minus strand). Cytogenetic location: 2q23.3.
Variant type: Duplication.
Coding change: c.5503dup on transcript NM_001164508.2 (MANE Select); coding-DNA position 5503, one base duplicated (C; older notation c.5503dupC).
Protein change: p.Arg1835fs; shifts the reading frame from arginine 1835.
Molecular consequence: frameshift variant.
Genome position (GRCh38, 1-based): chr2:151,663,808, G duplicated on the plus strand (C on the coding strand, the reverse complement: NEB is on the minus strand); the first of 2 consecutive G bases (chr2:151,663,808-151,663,809); duplicating either gives the same sequence. VCF-style (leftmost placement, unchanged base first): chr2-151663807-C-CG. GRCh37 (hg19) VCF-style: chr2-152520321-C-CG.
Other names: c.5503dup, p.Arg1835fs (NM_001164507.2, NM_001271208.2, NM_004543.5); short protein forms R1835fs.
Identifiers: ClinVar variation 5012031 (VCV005012031.1).